The following is an entry in ClinVar:

ClinVar aggregate classification (germline): Uncertain significance (1 of 4 stars; one submission).

Conditions:
Norman-Roberts syndrome (LIS2). Also called: Lissencephaly 2 (Norman-Roberts type). Identifiers: Orphanet 89844, MedGen C0796089, MONDO:0009760, OMIM 257320.
Familial temporal lobe epilepsy 7. Identifiers: Orphanet 101046, MedGen C4225327, MONDO:0014639, OMIM 616436.

Submission:

Labcorp Genetics (formerly Invitae), Labcorp
Classification: Uncertain significance for Familial temporal lobe epilepsy 7; Norman-Roberts syndrome. Last evaluated: 2022-06-27. Review status: criteria provided, single submitter. Criteria: Invitae Variant Classification Sherloc (09022015). Collection method: clinical testing. Allele origin: germline.
Comment: In summary, the available evidence is currently insufficient to determine the role of this variant in disease. Therefore, it has been classified as a Variant of Uncertain Significance. Algorithms developed to predict the effect of missense changes on protein structure and function (SIFT, PolyPhen-2, Align-GVGD) all suggest that this variant is likely to be tolerated. This variant has not been reported in the literature in individuals affected with RELN-related conditions. This variant is not present in population databases (gnomAD no frequency). This sequence change replaces histidine, which is basic and polar, with arginine, which is basic and polar, at codon 189 of the RELN protein (p.His189Arg).

NM_005045.4(RELN):c.566A>G (p.His189Arg)

Gene: RELN (reelin; minus strand). Cytogenetic location: 7q22.1.
Variant type: single nucleotide variant.
Coding change: c.566A>G on transcript NM_005045.4 (MANE Select); coding-DNA position 566, A replaced by G.
Protein change: p.His189Arg; replaces histidine 189 with arginine.
Molecular consequence: missense variant.
Genome position (GRCh38, 1-based): chr7:103,753,193, T>C on the plus strand (A>G on the coding strand, the complement: RELN is on the minus strand). VCF-style: chr7-103753193-T-C. GRCh37 (hg19) VCF-style: chr7-103393640-T-C.
Other names: c.566A>G, p.His189Arg (NM_173054.3); short protein forms H189R.
Identifiers: ClinVar variation 1403998 (VCV001403998.8), dbSNP rs2116084828, ClinGen allele CA368930412.